The following is an entry in ClinVar:

NM_000059.4(BRCA2):c.6751del (p.His2251fs)

Gene: BRCA2 (BRCA2 DNA repair associated; plus strand). Cytogenetic location: 13q13.1.
Variant type: Deletion.
Coding change: c.6751del on transcript NM_000059.4 (MANE Select); coding-DNA position 6751, one base deleted (C; older notation c.6751delC).
Protein change: p.His2251fs; shifts the reading frame from histidine 2251.
Molecular consequence: frameshift variant.
Genome position (GRCh38, 1-based): chr13:32,341,106, C deleted. VCF-style (leftmost placement, unchanged base first): chr13-32341105-AC-A. GRCh37 (hg19) VCF-style: chr13-32915242-AC-A.
Other names: c.6751delC (NM_000059.3); short protein forms H2251fs.
Identifiers: ClinVar variation 576511 (VCV000576511.10), dbSNP rs1566235342, ClinGen allele CA891844177.

ClinVar aggregate classification (germline): Pathogenic. Review status: criteria provided, multiple submitters, no conflicts (2 of 4 stars). 2 submissions from 2 submitters: Pathogenic (2). Last evaluated 2024-12-27.

Conditions:
Hereditary cancer-predisposing syndrome. Also called: Tumor predisposition; Hereditary neoplastic syndrome; Hereditary Cancer Syndrome; Neoplastic Syndromes, Hereditary. Identifiers: Orphanet 140162, MedGen C0027672, MeSH D009386, MONDO:0015356.
Hereditary breast ovarian cancer syndrome. Also called: Hereditary breast and ovarian cancer; Breast and ovarian cancer; Hereditary breast and ovarian cancer syndrome; BRCA1- and BRCA2-Associated Hereditary Breast and Ovarian Cancer; Hereditary breast and/or ovarian cancer syndrome; Hereditary breast and ovarian cancer syndrome (HBOC). Identifiers: Orphanet 145, MedGen C0677776, MeSH D061325, MONDO:0003582. Disease mechanism: loss of function.

Submissions (2):

Ambry Genetics
Classification: Pathogenic for Hereditary cancer-predisposing syndrome. Last evaluated: 2024-12-27. Review status: criteria provided, single submitter. Criteria: Ambry Variant Classification Scheme 2023. Collection method: clinical testing. Allele origin: germline.
Comment: The c.6751delC pathogenic mutation, located in coding exon 10 of the BRCA2 gene, results from a deletion of one nucleotide at nucleotide position 6751, causing a translational frameshift with a predicted alternate stop codon (p.H2251Ifs*29). This variant is considered to be rare based on population cohorts in the Genome Aggregation Database (gnomAD). This alteration is expected to result in loss of function by premature protein truncation or nonsense-mediated mRNA decay. As such, this alteration is interpreted as a disease-causing mutation.

Labcorp Genetics (formerly Invitae), Labcorp
Classification: Pathogenic for Hereditary breast ovarian cancer syndrome. Last evaluated: 2019-08-23. Review status: criteria provided, single submitter. Criteria: Invitae Variant Classification Sherloc (09022015). Collection method: clinical testing. Allele origin: germline.
Comment: This sequence change creates a premature translational stop signal (p.His2251Ilefs*29) in the BRCA2 gene. It is expected to result in an absent or disrupted protein product. This variant is not present in population databases (ExAC no frequency). This variant has not been reported in the literature in individuals with BRCA2-related conditions. ClinVar contains an entry for this variant (Variation ID: 576511). Loss-of-function variants in BRCA2 are known to be pathogenic (PMID: 20104584). For these reasons, this variant has been classified as Pathogenic.

Literature cited by the submitters: PubMed 20104584 (cited by Labcorp Genetics (formerly Invitae), Labcorp).